The following is an entry in ClinVar:

Conditions:
Arteriohepatic dysplasia. Also called: Alagille Syndrome. Identifiers: Orphanet 52, MedGen C0085280, MeSH D016738, MONDO:0007318.

Submission:

Gilbert/Spinner Lab, Children's Hospital of Philadelphia
No classification provided (evidence only). Condition: Alagille syndrome. Review status: no classification provided. Collection method: research. Allele origin: not applicable. Functional consequence: functionally_abnormal.
ClinVar note: "not provided" was previously submitted as the classification for the variant. However, the classification appeared to be based only on an observation of functional data so it was converted to no classification on 2025-07-30.

NM_000214.3(JAG1):c.296C>A (p.Thr99Lys)

Gene: JAG1 (jagged canonical Notch ligand 1; minus strand). Cytogenetic location: 20p12.2.
Variant type: single nucleotide variant.
Coding change: c.296C>A on transcript NM_000214.3 (MANE Select); coding-DNA position 296, C replaced by A.
Protein change: p.Thr99Lys; replaces threonine 99 with lysine.
Molecular consequence: missense variant.
Genome position (GRCh38, 1-based): chr20:10,672,792, G>T on the plus strand (C>A on the coding strand, the complement: JAG1 is on the minus strand). VCF-style: chr20-10672792-G-T. GRCh37 (hg19) VCF-style: chr20-10653440-G-T.
Other names: short protein forms T99K.
Identifiers: ClinVar variation 3573265 (VCV003573265.2).